The following is an entry in ClinVar:

NM_000051.4(ATM):c.1721A>G (p.Glu574Gly)

Gene: ATM (ATM serine/threonine kinase; plus strand). Cytogenetic location: 11q22.3.
Variant type: single nucleotide variant.
Coding change: c.1721A>G on transcript NM_000051.4 (MANE Select); coding-DNA position 1721, A replaced by G.
Protein change: p.Glu574Gly; replaces glutamic acid 574 with glycine.
Molecular consequence: missense variant.
Genome position (GRCh38, 1-based): chr11:108,251,950, A>G. VCF-style: chr11-108251950-A-G. GRCh37 (hg19) VCF-style: chr11-108122677-A-G.
Other names: c.1721A>G, p.Glu574Gly (NM_001351834.2); short protein forms E574G.
Identifiers: ClinVar variation 2755835 (VCV002755835.3), dbSNP rs1565385690, ClinGen allele CA382535282.

ClinVar aggregate classification (germline): Uncertain significance (1 of 4 stars; one submission).

Conditions:
Ataxia-telangiectasia syndrome (AT). Also called: LOUIS-BAR SYNDROME; AT, COMPLEMENTATION GROUP C; ATAXIA-TELANGIECTASIA, COMPLEMENTATION GROUP A; ATAXIA-TELANGIECTASIA, FRESNO VARIANT; Ataxia-telangiectasia; Cerebello-oculocutaneous telangiectasia. Identifiers: Orphanet 100, MedGen C0004135, MONDO:0008840, OMIM 208900.

Submission:

Labcorp Genetics (formerly Invitae), Labcorp
Classification: Uncertain significance for Ataxia-telangiectasia syndrome. Last evaluated: 2023-08-29. Review status: criteria provided, single submitter. Criteria: Invitae Variant Classification Sherloc (09022015). Collection method: clinical testing. Allele origin: germline.
Comment: An algorithm developed to predict the effect of missense changes on protein structure and function (PolyPhen-2) suggests that this variant is likely to be disruptive. In summary, the available evidence is currently insufficient to determine the role of this variant in disease. Therefore, it has been classified as a Variant of Uncertain Significance. This variant has not been reported in the literature in individuals affected with ATM-related conditions. This variant is not present in population databases (gnomAD no frequency). This sequence change replaces glutamic acid, which is acidic and polar, with glycine, which is neutral and non-polar, at codon 574 of the ATM protein (p.Glu574Gly).